The following is an entry in ClinVar:

NM_000213.5(ITGB4):c.4558+280G>A

Genes: GALK1 (galactokinase 1; minus strand), ITGB4 (integrin subunit beta 4; plus strand). Cytogenetic location: 17q25.1.
Variant type: single nucleotide variant.
Coding change: c.4558+280G>A on transcript NM_000213.5 (MANE Select); 280 bases into the intron after coding-DNA position 4558, G replaced by A.
Molecular consequence: intron variant. On other transcripts: synonymous variant (1).
Genome position (GRCh38, 1-based): chr17:75,755,095, G>A. VCF-style: chr17-75755095-G-A. GRCh37 (hg19) VCF-style: chr17-73751176-G-A.
Other names: c.4389G>A, p.Pro1463= (NM_001005619.2); c.4348+280G>A (NM_001005731.3, NM_001438834.1, NM_001321123.2); c.*22+2939C>T (NM_001381985.1).
Identifiers: ClinVar variation 3348042 (VCV003348042.1).

ClinVar aggregate classification (germline): Benign (0 of 4 stars; one submission).

Conditions:
ITGB4-related disorder. Also called: ITGB4-related condition.

gnomAD v4.1: 366 of 1,603,204 alleles (0.023%); highest among the groups gnomAD compares: East Asian, 0.61%; 2 homozygotes.

Submission:

PreventionGenetics, part of Exact Sciences
Classification: Benign for ITGB4-related condition. Last evaluated: 2024-07-12. Review status: no assertion criteria provided. Collection method: clinical testing. Allele origin: germline.
Comment: This variant is classified as benign based on ACMG/AMP sequence variant interpretation guidelines (Richards et al. 2015 PMID: 25741868, with internal and published modifications).